The following is an entry in ClinVar:

NM_001267550.2(TTN):c.96909dup (p.Pro32304fs)

Genes: TTN (titin; minus strand), TTN-AS1 (TTN antisense RNA 1; plus strand), LOC126806421 (CDK7 strongly-dependent group 2 enhancer GRCh37_chr2:179407630-179408829; plus strand). Cytogenetic location: 2q31.2.
Variant type: Duplication.
Coding change: c.96909dup on transcript NM_001267550.2 (MANE Select); coding-DNA position 96909, one base duplicated (G; older notation c.96909dupG).
Protein change: p.Pro32304fs; shifts the reading frame from proline 32304.
Molecular consequence: frameshift variant.
Genome position (GRCh38, 1-based): chr2:178,542,945, C duplicated on the plus strand (G on the coding strand, the reverse complement: TTN is on the minus strand). VCF-style (leftmost placement, unchanged base first): chr2-178542944-G-GC. GRCh37 (hg19) VCF-style: chr2-179407671-G-GC.
Other names: c.96909dupG (NM_001267550.2); c.91986dup, p.Pro30663fs (NM_001256850.1); c.69714dup, p.Pro23239fs (NM_003319.4); c.89205dup, p.Pro29736fs (NM_133378.4); c.70089dup, p.Pro23364fs (NM_133432.3); c.70290dup, p.Pro23431fs (NM_133437.4); short protein forms P23364fs, P32304fs, P23239fs, P23431fs, P29736fs, P30663fs.
Identifiers: ClinVar variation 534971 (VCV000534971.11), dbSNP rs1553516759, ClinGen allele CA658795967.

ClinVar aggregate classification (germline): Likely pathogenic (1 of 4 stars; one submission).

Conditions:
Autosomal recessive limb-girdle muscular dystrophy type 2J (LGMDR10). Also called: Limb-girdle muscular dystrophy, type 2J; MUSCULAR DYSTROPHY, LIMB-GIRDLE, AUTOSOMAL RECESSIVE 10. Identifiers: Orphanet 140922, MedGen C1837342, MONDO:0012127, OMIM 608807.
Dilated cardiomyopathy 1G (CMD1G). Identifiers: Orphanet 154, MedGen C1858763, MONDO:0011400, OMIM 604145.

Submission:

Labcorp Genetics (formerly Invitae), Labcorp
Classification: Likely pathogenic for Dilated cardiomyopathy 1G; Autosomal recessive limb-girdle muscular dystrophy type 2J. Last evaluated: 2025-08-05. Review status: criteria provided, single submitter. Criteria: Invitae Variant Classification Sherloc (09022015). Collection method: clinical testing. Allele origin: germline.
Comment: This sequence change creates a premature translational stop signal (p.Pro32304Alafs*43) in the TTN gene. While this is not anticipated to result in nonsense mediated decay, it is expected to create a truncated TTN protein. This variant is not present in population databases (gnomAD no frequency). This variant has not been reported in the literature in individuals affected with TTN-related conditions. ClinVar contains an entry for this variant (Variation ID: 534971). This variant is located in the A band of TTN (PMID: 25589632). Truncating variants in this region are significantly overrepresented in patients affected with dilated cardiomyopathy (PMID: 25589632). Truncating variants in this region have also been reported in individuals affected with autosomal recessive centronuclear myopathy (PMID: 23975875). In summary, the currently available evidence indicates that the variant is pathogenic, but additional data are needed to prove that conclusively. Therefore, this variant has been classified as Likely Pathogenic.

Literature cited by the submitters: PubMed 25589632; PubMed 23975875.